The following is an entry in ClinVar:

NM_000075.4(CDK4):c.125G>T (p.Gly42Val)

Genes: CDK4 (cyclin dependent kinase 4; minus strand), LOC130008148 (ATAC-STARR-seq lymphoblastoid silent region 4588; plus strand). Cytogenetic location: 12q14.1.
Variant type: single nucleotide variant.
Coding change: c.125G>T on transcript NM_000075.4 (MANE Select); coding-DNA position 125, G replaced by T.
Protein change: p.Gly42Val; replaces glycine 42 with valine.
Molecular consequence: missense variant.
Genome position (GRCh38, 1-based): chr12:57,751,593, C>A on the plus strand (G>T on the coding strand, the complement: CDK4 is on the minus strand). VCF-style: chr12-57751593-C-A. GRCh37 (hg19) VCF-style: chr12-58145376-C-A.
Other names: short protein forms G42V.
Identifiers: ClinVar variation 3230226 (VCV003230226.1), dbSNP rs2140388421, ClinGen allele CA385548774.

ClinVar aggregate classification (germline): Uncertain significance (1 of 4 stars; one submission).

Conditions:
Hereditary cancer-predisposing syndrome. Also called: Neoplastic Syndromes, Hereditary; Tumor predisposition; Hereditary neoplastic syndrome; Hereditary Cancer Syndrome. Identifiers: Orphanet 140162, MedGen C0027672, MeSH D009386, MONDO:0015356.

Submission:

Ambry Genetics
Classification: Uncertain significance for Hereditary cancer-predisposing syndrome. Last evaluated: 2024-01-09. Review status: criteria provided, single submitter. Criteria: Ambry Variant Classification Scheme 2023. Collection method: clinical testing. Allele origin: germline.
Comment: The p.G42V variant (also known as c.125G>T), located in coding exon 1 of the CDK4 gene, results from a G to T substitution at nucleotide position 125. The glycine at codon 42 is replaced by valine, an amino acid with dissimilar properties. This amino acid position is conserved. In addition, this alteration is predicted to be tolerated by in silico analysis. Since supporting evidence is limited at this time, the clinical significance of this alteration remains unclear.